The following is an entry in ClinVar:

NM_001127453.2(GSDME):c.1192G>A (p.Asp398Asn)

Gene: GSDME (gasdermin E; minus strand). Cytogenetic location: 7p15.3.
Variant type: single nucleotide variant.
Coding change: c.1192G>A on transcript NM_001127453.2 (MANE Select); coding-DNA position 1192, G replaced by A.
Protein change: p.Asp398Asn; replaces aspartic acid 398 with asparagine.
Molecular consequence: missense variant.
Genome position (GRCh38, 1-based): chr7:24,702,825, C>T on the plus strand (G>A on the coding strand, the complement: GSDME is on the minus strand). VCF-style: chr7-24702825-C-T. GRCh37 (hg19) VCF-style: chr7-24742444-C-T.
Other names: c.700G>A, p.Asp234Asn (NM_001127454.2); c.1192G>A, p.Asp398Asn (NM_004403.3); c.1192G>A (NM_004403.2); short protein forms D234N, D398N.
Identifiers: ClinVar variation 2885325 (VCV002885325.5), dbSNP rs144651293, ClinGen allele CA4191363.
Genomic context (GRCh38, chr7:24,702,825, plus strand): 5'-GGCACAGTGTGGGAATGATCTGGAGTTTGCAGCAAGTGCCCAGCAGAGCTGCTGCGCTAT[C>T]TGGCATTTCTGCAGGAGAGAAAAATCACAGTCACAGTCCAAAAAAACAAGTCCATGGGAA-3'
Protein context (NP_001120925.1, residues 388-408): FLVSALAEMP[Asp398Asn]SAAALLGTCC

ClinVar aggregate classification (germline): Conflicting classifications of pathogenicity. Review status: criteria provided, conflicting classifications (1 of 4 stars). 3 submissions from 3 submitters: Uncertain significance (1); Likely benign (2). Last evaluated 2025-05-14.

Conditions:
Inborn genetic diseases. Identifiers: MedGen C0950123, MeSH D030342.
GSDME-related disorder. Also called: GSDME-related condition.

Allele frequency attached by ClinVar (database versions not stated): gnomAD 0.00038; TOPMed 0.00044; ESP Exome Variant Server 0.00062; ExAC 0.00012; 1000 Genomes Project 30x 0.00016; 1000 Genomes Project 0.00020.
gnomAD v4.1: 113 of 1,612,986 alleles (0.007%); highest among the groups gnomAD compares: African/African-American, 0.14%; no homozygotes.

Submissions (3):

Ambry Genetics
Classification: Uncertain significance for Inborn genetic diseases. Last evaluated: 2025-05-14. Review status: criteria provided, single submitter. Criteria: Ambry Variant Classification Scheme 2023. Collection method: clinical testing. Allele origin: germline.

Labcorp Genetics (formerly Invitae), Labcorp
Classification: Likely benign. Last evaluated: 2025-03-13. Review status: criteria provided, single submitter. Criteria: Invitae Variant Classification Sherloc (09022015). Collection method: clinical testing. Allele origin: germline.

PreventionGenetics, part of Exact Sciences
Classification: Likely benign for GSDME-related condition. Last evaluated: 2024-11-06. Review status: criteria provided, single submitter. Criteria: ACMG Guidelines, 2015. Collection method: clinical testing. Allele origin: germline.
Comment: This variant is classified as likely benign based on ACMG/AMP sequence variant interpretation guidelines (Richards et al. 2015 PMID: 25741868, with internal and published modifications).